The following is an entry in ClinVar:

ClinVar aggregate classification (germline): Uncertain significance (1 of 4 stars; one submission).

Conditions:
Early-infantile DEE. Also called: Early infantile epileptic encephalopathy; Early infantile epileptic encephalopathy with suppression bursts; Ohtahara syndrome. Identifiers: Orphanet 1934, MedGen C0393706, MONDO:0800491.

Submission:

Labcorp Genetics (formerly Invitae), Labcorp
Classification: Uncertain significance for Early-infantile DEE. Last evaluated: 2022-11-18. Review status: criteria provided, single submitter. Criteria: Invitae Variant Classification Sherloc (09022015). Collection method: clinical testing. Allele origin: germline.
Comment: In summary, the available evidence is currently insufficient to determine the role of this variant in disease. Therefore, it has been classified as a Variant of Uncertain Significance. Advanced modeling of protein sequence and biophysical properties (such as structural, functional, and spatial information, amino acid conservation, physicochemical variation, residue mobility, and thermodynamic stability) performed at Invitae indicates that this missense variant is not expected to disrupt KCNH5 protein function. This variant has not been reported in the literature in individuals affected with KCNH5-related conditions. This variant is not present in population databases (gnomAD no frequency). This sequence change replaces threonine, which is neutral and polar, with proline, which is neutral and non-polar, at codon 832 of the KCNH5 protein (p.Thr832Pro).

NM_139318.5(KCNH5):c.2494A>C (p.Thr832Pro)

Gene: KCNH5 (potassium voltage-gated channel subfamily H member 5; minus strand). Cytogenetic location: 14q23.2.
Variant type: single nucleotide variant.
Coding change: c.2494A>C on transcript NM_139318.5 (MANE Select); coding-DNA position 2494, A replaced by C.
Protein change: p.Thr832Pro; replaces threonine 832 with proline.
Molecular consequence: missense variant. On other transcripts: 3 prime UTR variant (1).
Genome position (GRCh38, 1-based): chr14:62,707,981, T>G on the plus strand (A>C on the coding strand, the complement: KCNH5 is on the minus strand). VCF-style: chr14-62707981-T-G. GRCh37 (hg19) VCF-style: chr14-63174699-T-G.
Other names: c.*461A>C (NM_172375.3); short protein forms T832P.
Identifiers: ClinVar variation 2815132 (VCV002815132.3), dbSNP rs2502653513, ClinGen allele CA390100483.